The following is an entry in ClinVar:

NM_001008212.2(OPTN):c.1441G>A (p.Ala481Thr)

Gene: OPTN (optineurin; plus strand). Cytogenetic location: 10p13.
Variant type: single nucleotide variant.
Coding change: c.1441G>A on transcript NM_001008212.2 (MANE Select); coding-DNA position 1441, G replaced by A.
Protein change: p.Ala481Thr; replaces alanine 481 with threonine.
Molecular consequence: missense variant.
Genome position (GRCh38, 1-based): chr10:13,132,106, G>A. VCF-style: chr10-13132106-G-A. GRCh37 (hg19) VCF-style: chr10-13174106-G-A.
Other names: p.Ala481Thr; c.1441G>A, p.Ala481Thr (NM_001008211.1, NM_001008213.1, NM_021980.4); short protein forms A481T.
Identifiers: ClinVar variation 3379945 (VCV003379945.1).

ClinVar aggregate classification (germline): Uncertain significance (1 of 4 stars; one submission).

Submission:

Mayo Clinic Laboratories, Mayo Clinic
Classification: Uncertain significance. Last evaluated: 2024-03-18. Review status: criteria provided, single submitter. Criteria: ACMG Guidelines, 2015. Collection method: clinical testing. Allele origin: germline. Observed: 1 variant allele.
Comment: PM2